The following is an entry in ClinVar:

ClinVar aggregate classification (germline): Uncertain significance (1 of 4 stars; one submission).

Conditions:
Hereditary cancer-predisposing syndrome. Also called: Neoplastic Syndromes, Hereditary; Tumor predisposition; Hereditary Cancer Syndrome; Hereditary neoplastic syndrome. Identifiers: Orphanet 140162, MedGen C0027672, MeSH D009386, MONDO:0015356.

Submission:

Ambry Genetics
Classification: Uncertain significance for Hereditary cancer-predisposing syndrome. Last evaluated: 2018-09-26. Review status: criteria provided, single submitter. Criteria: Ambry Variant Classification Scheme 2023. Collection method: clinical testing. Allele origin: germline.
Comment: The p.S667C variant (also known as c.2000C>G), located in coding exon 13 of the RAD50 gene, results from a C to G substitution at nucleotide position 2000. The serine at codon 667 is replaced by cysteine, an amino acid with dissimilar properties. This amino acid position is highly conserved through mammals but not in all available vertebrate species. In addition, this alteration is predicted to be tolerated by in silico analysis. Since supporting evidence is limited at this time, the clinical significance of this alteration remains unclear.

NM_005732.4(RAD50):c.2000C>G (p.Ser667Cys)

Gene: RAD50 (RAD50 double strand break repair protein; plus strand). Cytogenetic location: 5q31.1.
Variant type: single nucleotide variant.
Coding change: c.2000C>G on transcript NM_005732.4 (MANE Select); coding-DNA position 2000, C replaced by G.
Protein change: p.Ser667Cys; replaces serine 667 with cysteine.
Molecular consequence: missense variant.
Genome position (GRCh38, 1-based): chr5:132,595,603, C>G. VCF-style: chr5-132595603-C-G. GRCh37 (hg19) VCF-style: chr5-131931295-C-G.
Other names: short protein forms S667C.
Identifiers: ClinVar variation 820515 (VCV000820515.4), dbSNP rs1554098669, ClinGen allele CA360949309.
Genomic context (GRCh38, chr5:132,595,603, plus strand): 5'-TTGGTGATATAATTTATTTTCTTAAAATAGCCATGCTGGCTGGAGCCACAGCAGTTTACT[C>G]CCAGTTCATTACTCAGCTAACAGACGAAAACCAGTCATGTTGCCCCGTTTGTCAGAGAGT-3'
Protein context (NP_005723.2, residues 657-677): AMLAGATAVY[Ser667Cys]QFITQLTDEN